The following is an entry in ClinVar:

ClinVar aggregate classification (germline): Conflicting classifications of pathogenicity. Review status: criteria provided, conflicting classifications (1 of 4 stars). 7 submissions from 7 submitters: Uncertain significance (1); Benign (1); Likely benign (4). 1 of the submissions does not count toward it. Last evaluated 2026-01-25.

Conditions:
PEX19-related disorder. Also called: PEX19-related condition.
Peroxisome biogenesis disorder 12A (Zellweger). Also called: Peroxisome biogenesis disorder 12A. Identifiers: Orphanet 912, MedGen C3554002, MONDO:0013951, OMIM 614886.

Allele frequency attached by ClinVar (database versions not stated): ESP Exome Variant Server 0.00015; TOPMed 0.00043; gnomAD exomes 0.00068 and 0.00120; gnomAD 0.00098 and 0.00113; ExAC 0.00115; 1000 Genomes Project 30x 0.00187; 1000 Genomes Project 0.00220.
gnomAD v4.1: 1,187 of 1,614,126 alleles (0.074%); highest among the groups gnomAD compares: East Asian, 0.37%; 4 homozygotes.

Submissions (7):

Labcorp Genetics (formerly Invitae), Labcorp
Classification: Benign for Peroxisome biogenesis disorder 12A (Zellweger). Last evaluated: 2026-01-25. Review status: criteria provided, single submitter. Criteria: Invitae Variant Classification Sherloc (09022015). Collection method: clinical testing. Allele origin: germline.

CeGaT Center for Human Genetics Tuebingen
Classification: Likely benign. Last evaluated: 2025-09-01. Review status: criteria provided, single submitter. Criteria: CeGaT Center For Human Genetics Tuebingen Variant Classification Criteria Version 2. Collection method: clinical testing. Allele origin: germline. Affected: yes. Observed: 3 variant alleles.
Comment: PEX19: BP4, BP7

Mayo Clinic Laboratories, Mayo Clinic
Classification: Likely benign. Last evaluated: 2025-08-11. Review status: criteria provided, single submitter. Criteria: ACMG Guidelines, 2015. Collection method: clinical testing. Allele origin: germline. Observed: 1 variant allele.
Comment: BS1, BP4, BP7

Blueprint Genetics
Classification: Likely benign. Last evaluated: 2024-11-11. Review status: criteria provided, single submitter. Criteria: ACMG Guidelines, 2015. Collection method: clinical testing. Allele origin: germline.

Illumina Laboratory Services, Illumina
Classification: Uncertain significance for Peroxisome biogenesis disorder 12A (Zellweger). Last evaluated: 2018-01-13. Review status: criteria provided, single submitter. Criteria: ICSL Variant Classification Criteria 13 December 2019. Collection method: clinical testing. Allele origin: germline.

Eurofins Ntd Llc (ga)
Classification: Likely benign. Last evaluated: 2017-07-10. Review status: criteria provided, single submitter. Criteria: EGL Classification Definitions 2015. Collection method: clinical testing. Allele origin: germline. Observed: 1 variant allele, 1 heterozygote.

PreventionGenetics, part of Exact Sciences
Classification: Likely benign for PEX19-related condition. Last evaluated: 2019-08-01. Review status: no assertion criteria provided. Collection method: clinical testing. Allele origin: germline. Not counted in ClinVar's aggregate classification.
Comment: This variant is classified as likely benign based on ACMG/AMP sequence variant interpretation guidelines (Richards et al. 2015 PMID: 25741868, with internal and published modifications).

NM_002857.4(PEX19):c.459G>A (p.Leu153=)

Gene: PEX19 (peroxisomal biogenesis factor 19; minus strand). Cytogenetic location: 1q23.2.
Variant type: single nucleotide variant.
Coding change: c.459G>A on transcript NM_002857.4 (MANE Select); coding-DNA position 459, G replaced by A.
Protein change: p.Leu153=; no amino-acid change (leucine 153 retained).
Molecular consequence: synonymous variant. On other transcripts: non-coding transcript variant (2).
Genome position (GRCh38, 1-based): chr1:160,282,174, C>T on the plus strand (G>A on the coding strand, the complement: PEX19 is on the minus strand). VCF-style: chr1-160282174-C-T. GRCh37 (hg19) VCF-style: chr1-160251964-C-T.
Other names: p.Leu153=; c.459G>A, p.Leu153= (NM_001193644.1).
Identifiers: ClinVar variation 293228 (VCV000293228.55), dbSNP rs78340311, ClinGen allele CA1197346.